The following is an entry in ClinVar:

ClinVar aggregate classification (germline): Uncertain significance. Review status: criteria provided, multiple submitters, no conflicts (2 of 4 stars). 2 submissions from 2 submitters: Uncertain significance (2). Last evaluated 2025-06-02.

Conditions:
Hereditary cancer-predisposing syndrome. Also called: Neoplastic Syndromes, Hereditary; Hereditary Cancer Syndrome; Tumor predisposition; Hereditary neoplastic syndrome. Identifiers: Orphanet 140162, MedGen C0027672, MeSH D009386, MONDO:0015356.
Oligodontia-cancer predisposition syndrome. Also called: TOOTH AGENESIS-COLORECTAL CANCER SYNDROME. Identifiers: Orphanet 300576, MedGen C1837750, MONDO:0012075, OMIM 608615. Disease mechanism: loss of function.

Allele frequency attached by ClinVar (database versions not stated): gnomAD exomes below 0.00001.
gnomAD v4.1: 1 of 1,603,066 alleles (0.000062%); highest among the groups gnomAD compares: Non-Finnish European, 0.000085%; no homozygotes.

Submissions (2):

Labcorp Genetics (formerly Invitae), Labcorp
Classification: Uncertain significance for Oligodontia-cancer predisposition syndrome. Last evaluated: 2025-06-02. Review status: criteria provided, single submitter. Criteria: Invitae Variant Classification Sherloc (09022015). Collection method: clinical testing. Allele origin: germline.
Comment: This sequence change replaces threonine, which is neutral and polar, with serine, which is neutral and polar, at codon 55 of the AXIN2 protein (p.Thr55Ser). This variant is not present in population databases (gnomAD no frequency). This variant has not been reported in the literature in individuals affected with AXIN2-related conditions. ClinVar contains an entry for this variant (Variation ID: 1036880). Invitae Evidence Modeling of protein sequence and biophysical properties (such as structural, functional, and spatial information, amino acid conservation, physicochemical variation, residue mobility, and thermodynamic stability) indicates that this missense variant is not expected to disrupt AXIN2 protein function with a negative predictive value of 80%. RNA analysis performed to evaluate the impact of this missense change on mRNA splicing indicates it does not significantly alter splicing (internal data). In summary, the available evidence is currently insufficient to determine the role of this variant in disease. Therefore, it has been classified as a Variant of Uncertain Significance.

Ambry Genetics
Classification: Uncertain significance for Hereditary cancer-predisposing syndrome. Last evaluated: 2024-09-16. Review status: criteria provided, single submitter. Criteria: Ambry Variant Classification Scheme 2023. Collection method: clinical testing. Allele origin: germline.
Comment: The p.T55S variant (also known as c.164C>G), located in coding exon 1 of the AXIN2 gene, results from a C to G substitution at nucleotide position 164. The threonine at codon 55 is replaced by serine, an amino acid with similar properties. This amino acid position is conserved. In addition, this alteration is predicted to be tolerated by in silico analysis. Since supporting evidence is limited at this time, the clinical significance of this alteration remains unclear.

NM_004655.4(AXIN2):c.164C>G (p.Thr55Ser)

Gene: AXIN2 (axin 2; minus strand). Cytogenetic location: 17q24.1.
Variant type: single nucleotide variant.
Coding change: c.164C>G on transcript NM_004655.4 (MANE Select); coding-DNA position 164, C replaced by G.
Protein change: p.Thr55Ser; replaces threonine 55 with serine.
Molecular consequence: missense variant.
Genome position (GRCh38, 1-based): chr17:65,558,457, G>C on the plus strand (C>G on the coding strand, the complement: AXIN2 is on the minus strand). VCF-style: chr17-65558457-G-C. GRCh37 (hg19) VCF-style: chr17-63554575-G-C.
Other names: c.164C>G, p.Thr55Ser (NM_001363813.1); short protein forms T55S.
Identifiers: ClinVar variation 1036880 (VCV001036880.12), dbSNP rs2044308525, ClinGen allele CA400681984.